The following is an entry in ClinVar:

NM_004787.4(SLIT2):c.688G>T (p.Val230Phe)

Gene: SLIT2 (slit guidance ligand 2; plus strand). Cytogenetic location: 4p15.31.
Variant type: single nucleotide variant.
Coding change: c.688G>T on transcript NM_004787.4 (MANE Select); coding-DNA position 688, G replaced by T.
Protein change: p.Val230Phe; replaces valine 230 with phenylalanine.
Molecular consequence: missense variant.
Genome position (GRCh38, 1-based): chr4:20,488,895, G>T. VCF-style: chr4-20488895-G-T. GRCh37 (hg19) VCF-style: chr4-20490518-G-T.
Other names: c.688G>T, p.Val230Phe (NM_001289135.3, NM_001289136.3); short protein forms V230F.
Identifiers: ClinVar variation 2288503 (VCV002288503.4), dbSNP rs754321837, ClinGen allele CA2871176.

ClinVar aggregate classification (germline): Uncertain significance. Review status: criteria provided, multiple submitters, no conflicts (2 of 4 stars). 2 submissions from 2 submitters: Uncertain significance (2). Last evaluated 2025-03-28.

Allele frequency attached by ClinVar (database versions not stated): gnomAD 0.00001; TOPMed 0.00002; ExAC 0.00003.
gnomAD v4.1: 29 of 1,612,938 alleles (0.0018%); highest among the groups gnomAD compares: Admixed American, 0.015%; no homozygotes.

Submissions (2):

Labcorp Genetics (formerly Invitae), Labcorp
Classification: Uncertain significance. Last evaluated: 2025-03-28. Review status: criteria provided, single submitter. Criteria: Invitae Variant Classification Sherloc (09022015). Collection method: clinical testing. Allele origin: germline.
Comment: This sequence change replaces valine, which is neutral and non-polar, with phenylalanine, which is neutral and non-polar, at codon 230 of the SLIT2 protein (p.Val230Phe). This variant is present in population databases (rs754321837, gnomAD 0.02%). This variant has not been reported in the literature in individuals affected with SLIT2-related conditions. ClinVar contains an entry for this variant (Variation ID: 2288503). An algorithm developed to predict the effect of missense changes on protein structure and function (PolyPhen-2) suggests that this variant is likely to be tolerated. In summary, the available evidence is currently insufficient to determine the role of this variant in disease. Therefore, it has been classified as a Variant of Uncertain Significance.

Ambry Genetics
Classification: Uncertain significance. Last evaluated: 2025-02-07. Review status: criteria provided, single submitter. Criteria: Ambry Variant Classification Scheme 2023. Collection method: clinical testing. Allele origin: germline.